The following is an entry in ClinVar:

ClinVar aggregate classification (germline): Uncertain significance (1 of 4 stars; one submission).

gnomAD v4.1: 4 of 1,613,712 alleles (0.00025%); highest among the groups gnomAD compares: South Asian, 0.0011%; no homozygotes.

Submission:

GeneDx
Classification: Uncertain significance. Last evaluated: 2023-05-19. Review status: criteria provided, single submitter. Criteria: GeneDx Variant Classification Process June 2021. Collection method: clinical testing. Allele origin: germline. Affected: yes.
Comment: Not observed at significant frequency in large population cohorts (gnomAD); In silico analysis supports that this missense variant does not alter protein structure/function; Has not been previously published as pathogenic or benign to our knowledge

NM_001384140.1(PCDH15):c.2650G>A (p.Ala884Thr)

Gene: PCDH15 (protocadherin related 15; minus strand). Cytogenetic location: 10q21.1.
Variant type: single nucleotide variant.
Coding change: c.2650G>A on transcript NM_001384140.1 (MANE Select); coding-DNA position 2650, G replaced by A.
Protein change: p.Ala884Thr; replaces alanine 884 with threonine.
Molecular consequence: missense variant.
Genome position (GRCh38, 1-based): chr10:54,020,293, C>T on the plus strand (G>A on the coding strand, the complement: PCDH15 is on the minus strand). VCF-style: chr10-54020293-C-T. GRCh37 (hg19) VCF-style: chr10-55780053-C-T.
Other names: c.2650G>A, p.Ala884Thr (NM_001354420.2, NM_001354429.2, NM_001354430.2 and 5 more transcripts); c.2665G>A, p.Ala889Thr (NM_001142763.2, NM_001142771.2); c.2437G>A, p.Ala813Thr (NM_001142765.2); c.2539G>A, p.Ala847Thr (NM_001142767.2); c.2584G>A, p.Ala862Thr (NM_001142768.2, NM_001142773.2, NM_001354404.2); c.2686G>A, p.Ala896Thr (NM_001142769.4); c.2671G>A, p.Ala891Thr (NM_001354411.2); short protein forms A813T, A847T, A862T, A884T, A889T, A891T, A896T.
Identifiers: ClinVar variation 3343391 (VCV003343391.1).